The following is an entry in ClinVar:

ClinVar aggregate classification (germline): Uncertain significance (1 of 4 stars; one submission).

Allele frequency attached by ClinVar (database versions not stated): gnomAD exomes below 0.00001.
gnomAD v4.1: 6 of 1,614,122 alleles (0.00037%); highest among the groups gnomAD compares: African/African-American, 0.0027%; no homozygotes.

Submission:

Labcorp Genetics (formerly Invitae), Labcorp
Classification: Uncertain significance. Last evaluated: 2022-09-27. Review status: criteria provided, single submitter. Criteria: Invitae Variant Classification Sherloc (09022015). Collection method: clinical testing. Allele origin: germline.
Comment: This sequence change replaces proline, which is neutral and non-polar, with arginine, which is basic and polar, at codon 1053 of the DNAH9 protein (p.Pro1053Arg). This variant is not present in population databases (gnomAD no frequency). This variant has not been reported in the literature in individuals affected with DNAH9-related conditions. Advanced modeling of protein sequence and biophysical properties (such as structural, functional, and spatial information, amino acid conservation, physicochemical variation, residue mobility, and thermodynamic stability) performed at Invitae indicates that this missense variant is not expected to disrupt DNAH9 protein function. In summary, the available evidence is currently insufficient to determine the role of this variant in disease. Therefore, it has been classified as a Variant of Uncertain Significance.

NM_001372.4(DNAH9):c.3158C>G (p.Pro1053Arg)

Genes: DNAH9 (dynein axonemal heavy chain 9; plus strand), LOC126862505 (BRD4-independent group 4 enhancer GRCh37_chr17:11572478-11573677; plus strand). Cytogenetic location: 17p12.
Variant type: single nucleotide variant.
Coding change: c.3158C>G on transcript NM_001372.4 (MANE Select); coding-DNA position 3158, C replaced by G.
Protein change: p.Pro1053Arg; replaces proline 1053 with arginine.
Molecular consequence: missense variant.
Genome position (GRCh38, 1-based): chr17:11,669,599, C>G. VCF-style: chr17-11669599-C-G. GRCh37 (hg19) VCF-style: chr17-11572916-C-G.
Other names: short protein forms P1053R.
Identifiers: ClinVar variation 1915676 (VCV001915676.2), dbSNP rs2150728369, ClinGen allele CA398182734.
Genomic context (GRCh38, chr17:11,669,599, plus strand): 5'-ACATCCTCACTCCGGAAGAAATTGAAGACCATGTGGAAGATGGCATCCCAGAGAACCCTC[C>G]CCTCCTTTCTCAGTTTAAAGTGCAAATCGACTCCTATGAAACGCTCTATGAAGAGGTGTG-3'
Protein context (NP_001363.2, residues 1043-1063): HVEDGIPENP[Pro1053Arg]LLSQFKVQID